The following is an entry in ClinVar:

ClinVar aggregate classification (germline): Pathogenic (1 of 4 stars; one submission).

Conditions:
Hypertrophic cardiomyopathy. Also called: HYPERTROPHIC MYOCARDIOPATHY. Identifiers: Orphanet 217569, MedGen C0007194, MeSH D002312, MONDO:0005045, HP:0001639.

Submission:

Labcorp Genetics (formerly Invitae), Labcorp
Classification: Pathogenic for Hypertrophic cardiomyopathy. Last evaluated: 2023-12-11. Review status: criteria provided, single submitter. Criteria: Invitae Variant Classification Sherloc (09022015). Collection method: clinical testing. Allele origin: germline.
Comment: This sequence change creates a premature translational stop signal (p.Ser137Glnfs*22) in the MYBPC3 gene. It is expected to result in an absent or disrupted protein product. Loss-of-function variants in MYBPC3 are known to be pathogenic (PMID: 19574547). This variant is not present in population databases (gnomAD no frequency). This variant has not been reported in the literature in individuals affected with MYBPC3-related conditions. ClinVar contains an entry for this variant (Variation ID: 1071502). For these reasons, this variant has been classified as Pathogenic.

Literature cited by the submitters: PubMed 19574547.

NC_000011.10:g.47350113del

Gene: MYBPC3 (myosin binding protein C3; minus strand). Cytogenetic location: 11p11.2.
Variant type: Deletion.
Genome position: GRCh38 VCF-style: chr11-47350110-AC-A. GRCh37 (hg19) VCF-style: chr11-47371661-AC-A.
Identifiers: ClinVar variation 1071502 (VCV001071502.7), dbSNP rs771005018, ClinGen allele CA055341.